The following is an entry in ClinVar:

NM_022437.3(ABCG8):c.388G>A (p.Gly130Ser)

Gene: ABCG8 (ATP binding cassette subfamily G member 8; plus strand). Cytogenetic location: 2p21.
Variant type: single nucleotide variant.
Coding change: c.388G>A on transcript NM_022437.3 (MANE Select); coding-DNA position 388, G replaced by A.
Protein change: p.Gly130Ser; replaces glycine 130 with serine.
Molecular consequence: missense variant.
Genome position (GRCh38, 1-based): chr2:43,851,649, G>A. VCF-style: chr2-43851649-G-A. GRCh37 (hg19) VCF-style: chr2-44078788-G-A.
Other names: c.388G>A, p.Gly130Ser (NM_001357321.2); short protein forms G130S.
Identifiers: ClinVar variation 4863759 (VCV004863759.1).

ClinVar aggregate classification (germline): Uncertain significance (1 of 4 stars; one submission).

Conditions:
Cardiovascular phenotype. Identifiers: MedGen CN230736.

Submission:

Ambry Genetics
Classification: Uncertain significance for Cardiovascular phenotype. Last evaluated: 2026-05-28. Review status: criteria provided, single submitter. Criteria: Ambry Variant Classification Scheme 2023. Collection method: clinical testing. Allele origin: germline.
Comment: The p.G130S variant (also known as c.388G>A), located in coding exon 4 of the ABCG8 gene, results from a G to A substitution at nucleotide position 388. The glycine at codon 130 is replaced by serine, an amino acid with similar properties. This amino acid position is conserved. In addition, this alteration is predicted to be deleterious by in silico analysis. Based on the available evidence, the clinical significance of this variant remains unclear.